The following is an entry in ClinVar:

NM_001211.6(BUB1B):c.2748_2749delinsA (p.Asp917fs)

Genes: BUB1B-PAK6 (BUB1B-PAK6 readthrough; plus strand), BUB1B (BUB1 mitotic checkpoint serine/threonine kinase B; plus strand). Cytogenetic location: 15q15.1.
Variant type: Indel.
Coding change: c.2748_2749delinsA on transcript NM_001211.6 (MANE Select); coding-DNA positions 2748 to 2749, TG replaced by A.
Protein change: p.Asp917fs; shifts the reading frame from aspartic acid 917.
Molecular consequence: frameshift variant. On other transcripts: 5 prime UTR variant (2).
Genome position (GRCh38, 1-based): chr15:40,217,565-40,217,566, TG replaced by A. VCF-style: chr15-40217565-TG-A. GRCh37 (hg19) VCF-style: chr15-40509766-TG-A.
Other names: c.-303_-302delinsA (NM_001128628.3); c.-220_-219delinsA (NM_001128629.3); short protein forms D917fs.
Identifiers: ClinVar variation 4856835 (VCV004856835.2).

ClinVar aggregate classification (germline): Likely pathogenic (1 of 4 stars; one submission).

Submission:

Dasa
Classification: Likely pathogenic. Last evaluated: 2025-04-04. Review status: criteria provided, single submitter. Criteria: DASA Assertion Criteria. Collection method: clinical testing. Allele origin: germline.
Comment: NM_001211.6(BUB1B):c.2748_2749delinsA (p.Asp917Thrfs*35) is a frameshift variant in BUB1B predicted to alter the reading frame and introduce a premature termination codon and is predicted to result in an absent or altered protein product. Loss of function is an established disease mechanism for BUB1B-associated disorders. Also, this variant is absent from population databases. Based on the currently available evidence, this variant is classified as likely pathogenic.